The following is an entry in ClinVar:

ClinVar aggregate classification (germline): Benign/Likely benign. Review status: criteria provided, multiple submitters, no conflicts (2 of 4 stars). 2 submissions from 2 submitters: Benign (1); Likely benign (1). Last evaluated 2024-09-03.

Allele frequency attached by ClinVar (database versions not stated): gnomAD 0.00004.

Submissions (2):

Blueprint Genetics
Classification: Benign. Last evaluated: 2024-09-03. Review status: criteria provided, single submitter. Criteria: ACMG Guidelines, 2015. Collection method: clinical testing. Allele origin: germline.

GeneDx
Classification: Likely benign. Last evaluated: 2018-07-17. Review status: criteria provided, single submitter. Criteria: GeneDx Variant Classification Process June 2021. Collection method: clinical testing. Allele origin: germline. Affected: yes.
Comment: This variant is associated with the following publications: (PMID: 30847666)

NM_001267550.2(TTN):c.37434G>A (p.Pro12478=)

Gene: TTN (titin; minus strand). Cytogenetic location: 2q31.2.
Variant type: single nucleotide variant.
Coding change: c.37434G>A on transcript NM_001267550.2 (MANE Select); coding-DNA position 37434, G replaced by A.
Protein change: p.Pro12478=; no amino-acid change (proline 12478 retained).
Molecular consequence: synonymous variant. On other transcripts: intron variant (3).
Genome position (GRCh38, 1-based): chr2:178,659,024, C>T on the plus strand (G>A on the coding strand, the complement: TTN is on the minus strand). VCF-style: chr2-178659024-C-T. GRCh37 (hg19) VCF-style: chr2-179523751-C-T.
Other names: c.34503G>A, p.Pro11501= (NM_001256850.1); c.31722G>A, p.Pro10574= (NM_133378.4); c.13283-16707G>A (NM_003319.4); c.13859-16707G>A (NM_133437.4); c.13658-16707G>A (NM_133432.3).
Identifiers: ClinVar variation 1205477 (VCV001205477.4), dbSNP rs1235535488, ClinGen allele CA430114109.